The following is an entry in ClinVar:

NM_001377.3(DYNC2H1):c.11745G>T (p.Trp3915Cys)

Gene: DYNC2H1 (dynein cytoplasmic 2 heavy chain 1; plus strand). Cytogenetic location: 11q22.3.
Variant type: single nucleotide variant.
Coding change: c.11745G>T on transcript NM_001377.3 (MANE Select); coding-DNA position 11745, G replaced by T.
Protein change: p.Trp3915Cys; replaces tryptophan 3915 with cysteine.
Molecular consequence: missense variant.
Genome position (GRCh38, 1-based): chr11:103,321,048, G>T. VCF-style: chr11-103321048-G-T. GRCh37 (hg19) VCF-style: chr11-103191777-G-T.
Other names: c.11766G>T, p.Trp3922Cys (NM_001080463.2); short protein forms W3922C, W3915C.
Identifiers: ClinVar variation 459276 (VCV000459276.7), dbSNP rs549891589, ClinGen allele CA6255370.
Genomic context (GRCh38, chr11:103,321,048, plus strand): 5'-TTTTAGAAATGAAATTAATGAGTGTTTTTTTAAAATTATAGGTGCCAAAGATGTACAATG[G>T]GAATTTGTACATGGTTTACTTGAAAATGCTATTTATGGAGGACGTATAGACAACTATTTT-3'
Protein context (NP_001368.2, residues 3905-3925): RLFDGAKDVQ[Trp3915Cys]EFVHGLLENA

ClinVar aggregate classification (germline): Uncertain significance. Review status: criteria provided, multiple submitters, no conflicts (2 of 4 stars). 2 submissions from 2 submitters: Uncertain significance (2). Last evaluated 2025-04-03.

Conditions:
Jeune thoracic dystrophy. Also called: Jeune syndrome; Infantile thoracic dystrophy; Thoracic pelvic phalangeal dystrophy; Jeune's syndrome; Chondroectodermal dysplasia-like syndrome; Short-rib thoracic dysplasia. Identifiers: Orphanet 474, MedGen C0265275, MONDO:0018770.
Inborn genetic diseases. Identifiers: MedGen C0950123, MeSH D030342.

Allele frequency attached by ClinVar (database versions not stated): gnomAD exomes 0.00001 and 0.00004; gnomAD 0.00006 and 0.00007; ExAC 0.00007; TOPMed 0.00010; 1000 Genomes Project 30x 0.00016; 1000 Genomes Project 0.00020.
gnomAD v4.1: 19 of 1,609,516 alleles (0.0012%); highest among the groups gnomAD compares: African/African-American, 0.025%; no homozygotes.

Submissions (2):

Ambry Genetics
Classification: Uncertain significance for Inborn genetic diseases. Last evaluated: 2025-04-03. Review status: criteria provided, single submitter. Criteria: Ambry Variant Classification Scheme 2023. Collection method: clinical testing. Allele origin: germline.

Labcorp Genetics (formerly Invitae), Labcorp
Classification: Uncertain significance for Jeune thoracic dystrophy. Last evaluated: 2022-08-16. Review status: criteria provided, single submitter. Criteria: Invitae Variant Classification Sherloc (09022015). Collection method: clinical testing. Allele origin: germline.
Comment: This sequence change replaces tryptophan, which is neutral and slightly polar, with cysteine, which is neutral and slightly polar, at codon 3922 of the DYNC2H1 protein (p.Trp3922Cys). This variant is present in population databases (rs549891589, gnomAD 0.06%). This variant has not been reported in the literature in individuals affected with DYNC2H1-related conditions. ClinVar contains an entry for this variant (Variation ID: 459276). Advanced modeling of protein sequence and biophysical properties (such as structural, functional, and spatial information, amino acid conservation, physicochemical variation, residue mobility, and thermodynamic stability) performed at Invitae indicates that this missense variant is expected to disrupt DYNC2H1 protein function. In summary, the available evidence is currently insufficient to determine the role of this variant in disease. Therefore, it has been classified as a Variant of Uncertain Significance.